The following is an entry in ClinVar:

NM_001270974.2(HYDIN):c.5313del (p.Ile1772fs)

Gene: HYDIN (HYDIN axonemal central pair apparatus protein; minus strand). Cytogenetic location: 16q22.2.
Variant type: Deletion.
Coding change: c.5313del on transcript NM_001270974.2 (MANE Select); coding-DNA position 5313, one base deleted (C; older notation c.5313delC).
Protein change: p.Ile1772fs; shifts the reading frame from isoleucine 1772.
Molecular consequence: frameshift variant.
Genome position (GRCh38, 1-based): chr16:70,973,409, G deleted on the plus strand (C on the coding strand, the reverse complement: HYDIN is on the minus strand); the first of 3 consecutive G bases (chr16:70,973,409-70,973,411); deleting any one gives the same sequence. VCF-style (leftmost placement, unchanged base first): chr16-70973408-TG-T. GRCh37 (hg19) VCF-style: chr16-71007311-TG-T.
Other names: short protein forms I1772fs.
Identifiers: ClinVar variation 4871913 (VCV004871913.2).
Genomic context (GRCh38, chr16:70,973,408, plus strand): 5'-CTTTTGGCATGAATTTCACTTGCACGTTGGACTTCTCACCAGGATCCAAGACTCCAGAAA[TG>T]GGCTGGATTTCGAAGATCCGTGTCTTTGGCTTTAATTCAGCGCGTAGTTTCTGTCTTAAG-3'

ClinVar aggregate classification (germline): Likely benign (1 of 4 stars; one submission).

Submission:

CeGaT Center for Human Genetics Tuebingen
Classification: Likely benign. Last evaluated: 2026-06-01. Review status: criteria provided, single submitter. Criteria: CeGaT Center For Human Genetics Tuebingen Variant Classification Criteria Version 2. Collection method: clinical testing. Allele origin: germline. Affected: yes. Observed: 1 variant allele.
Comment: HYDIN: BS1